The following is an entry in ClinVar:

NM_020461.4(TUBGCP6):c.5054_5055dup (p.Asn1686fs)

Gene: TUBGCP6 (tubulin gamma complex component 6; minus strand). Cytogenetic location: 22q13.33.
Variant type: Duplication.
Coding change: c.5054_5055dup on transcript NM_020461.4 (MANE Select); coding-DNA positions 5054 to 5055, 2 bases duplicated (CC; older notation c.5054_5055dupCC).
Protein change: p.Asn1686fs; shifts the reading frame from asparagine 1686.
Molecular consequence: frameshift variant.
Genome position (GRCh38, 1-based): chr22:50,218,302-50,218,303, GG duplicated on the plus strand (CC on the coding strand, the reverse complement: TUBGCP6 is on the minus strand). VCF-style (leftmost placement, unchanged base first): chr22-50218301-T-TGG. GRCh37 (hg19) VCF-style: chr22-50656730-T-TGG.
Other names: short protein forms N1686fs.
Identifiers: ClinVar variation 2747471 (VCV002747471.3), dbSNP rs752417571, ClinGen allele CA10307196.

ClinVar aggregate classification (germline): Pathogenic (1 of 4 stars; one submission).

Allele frequency attached by ClinVar (database versions not stated): gnomAD exomes below 0.00001; TOPMed below 0.00001; ExAC 0.00001.

Submission:

Labcorp Genetics (formerly Invitae), Labcorp
Classification: Pathogenic. Last evaluated: 2024-04-25. Review status: criteria provided, single submitter. Criteria: Invitae Variant Classification Sherloc (09022015). Collection method: clinical testing. Allele origin: germline.
Comment: This sequence change creates a premature translational stop signal (p.Asn1686Profs*50) in the TUBGCP6 gene. It is expected to result in an absent or disrupted protein product. Loss-of-function variants in TUBGCP6 are known to be pathogenic (PMID: 25344692). This variant is present in population databases (rs752417571, gnomAD 0.01%). This variant has not been reported in the literature in individuals affected with TUBGCP6-related conditions. For these reasons, this variant has been classified as Pathogenic.

Literature cited by the submitters: PubMed 25344692.